The following is an entry in ClinVar:

NM_001367624.2(ZNF469):c.2406C>G (p.Asp802Glu)

Gene: ZNF469 (zinc finger protein 469; plus strand). Cytogenetic location: 16q24.2.
Variant type: single nucleotide variant.
Coding change: c.2406C>G on transcript NM_001367624.2 (MANE Select); coding-DNA position 2406, C replaced by G.
Protein change: p.Asp802Glu; replaces aspartic acid 802 with glutamic acid.
Molecular consequence: missense variant.
Genome position (GRCh38, 1-based): chr16:88,429,876, C>G. VCF-style: chr16-88429876-C-G. GRCh37 (hg19) VCF-style: chr16-88496284-C-G.
Other names: NM_001127464.1:c.2406C>G; short protein forms D802E.
Identifiers: ClinVar variation 4867020 (VCV004867020.1).

ClinVar aggregate classification (germline): Uncertain significance (1 of 4 stars; one submission).

Conditions:
Cardiovascular phenotype. Identifiers: MedGen CN230736.

Submission:

Ambry Genetics
Classification: Uncertain significance for Cardiovascular phenotype. Last evaluated: 2026-05-28. Review status: criteria provided, single submitter. Criteria: Ambry Variant Classification Scheme 2023. Collection method: clinical testing. Allele origin: germline.
Comment: The p.D802E variant (also known as c.2406C>G), located in coding exon 1 of the ZNF469 gene, results from a C to G substitution at nucleotide position 2406. The aspartic acid at codon 802 is replaced by glutamic acid, an amino acid with highly similar properties. This amino acid position is conserved. In addition, this alteration is predicted to be tolerated by in silico analysis. Based on the available evidence, the clinical significance of this variant remains unclear.